The following is an entry in ClinVar:

NM_000551.4(VHL):c.27C>A (p.Asp9Glu)

Gene: VHL (von Hippel-Lindau tumor suppressor; plus strand). Cytogenetic location: 3p25.3.
Variant type: single nucleotide variant.
Coding change: c.27C>A on transcript NM_000551.4 (MANE Select); coding-DNA position 27, C replaced by A.
Protein change: p.Asp9Glu; replaces aspartic acid 9 with glutamic acid.
Molecular consequence: missense variant.
Genome position (GRCh38, 1-based): chr3:10,141,874, C>A. VCF-style: chr3-10141874-C-A. GRCh37 (hg19) VCF-style: chr3-10183558-C-A.
Other names: c.27C>A, p.Asp9Glu (NM_001354723.2, NM_198156.3); short protein forms D9E.
Identifiers: ClinVar variation 411975 (VCV000411975.16), dbSNP rs1017141110, ClinGen allele CA16611250.

ClinVar aggregate classification (germline): Conflicting classifications of pathogenicity. Review status: criteria provided, conflicting classifications (1 of 4 stars). 6 submissions from 6 submitters: Uncertain significance (5); Likely benign (1). Last evaluated 2026-04-16.

Conditions:
VHL-related disorder. Also called: VHL-related condition.
Chuvash polycythemia. Also called: POLYCYTHEMIA, VHL-DEPENDENT. Identifiers: Orphanet 238557, MedGen C1837915, MONDO:0009892, OMIM 263400.
Von Hippel-Lindau syndrome (VHLS). Also called: Von Hippel-Lindau; von Hippel–Lindau syndrome; VHL syndrome. Identifiers: Orphanet 892, MedGen C0019562, MONDO:0008667, OMIM 193300. Disease mechanism: loss of function.
Hereditary cancer-predisposing syndrome. Also called: Neoplastic Syndromes, Hereditary; Tumor predisposition; Hereditary Cancer Syndrome; Hereditary neoplastic syndrome. Identifiers: Orphanet 140162, MedGen C0027672, MeSH D009386, MONDO:0015356.

Allele frequency attached by ClinVar (database versions not stated): TOPMed 0.00002.
gnomAD v4.1: 111 of 1,533,966 alleles (0.0072%); highest among the groups gnomAD compares: Non-Finnish European, 0.0095%; no homozygotes.

Submissions (6):

PreventionGenetics, part of Exact Sciences
Classification: Uncertain significance for VHL-related condition. Last evaluated: 2026-04-16. Review status: criteria provided, single submitter. Criteria: ACMG Guidelines, 2015. Collection method: clinical testing. Allele origin: germline.
Comment: The VHL c.27C>A variant is predicted to result in the amino acid substitution p.Asp9Glu. To our knowledge, this variant has not been reported in the literature. This variant is reported in 0.0058% of alleles in individuals of European (Non-Finnish) descent in gnomAD. At this time, the clinical significance of this variant is uncertain due to the absence of conclusive functional and genetic evidence.

Labcorp Genetics (formerly Invitae), Labcorp
Classification: Uncertain significance for Von Hippel-Lindau syndrome; Chuvash polycythemia. Last evaluated: 2026-02-03. Review status: criteria provided, single submitter. Criteria: Invitae Variant Classification Sherloc (09022015). Collection method: clinical testing. Allele origin: germline.
Comment: This sequence change replaces aspartic acid, which is acidic and polar, with glutamic acid, which is acidic and polar, at codon 9 of the VHL protein (p.Asp9Glu). This variant is present in population databases (no rsID available, gnomAD 0.004%). This variant has not been reported in the literature in individuals affected with VHL-related conditions. ClinVar contains an entry for this variant (Variation ID: 411975). Invitae Evidence Modeling of protein sequence and biophysical properties (such as structural, functional, and spatial information, amino acid conservation, physicochemical variation, residue mobility, and thermodynamic stability) indicates that this missense variant is not expected to disrupt VHL protein function with a negative predictive value of 95%. In summary, the available evidence is currently insufficient to determine the role of this variant in disease. Therefore, it has been classified as a Variant of Uncertain Significance.

Color Diagnostics, LLC DBA Color Health
Classification: Uncertain significance for Von Hippel-Lindau syndrome. Last evaluated: 2025-07-05. Review status: criteria provided, single submitter. Criteria: ACMG Guidelines, 2015. Collection method: clinical testing. Allele origin: germline.
Comment: This missense variant replaces aspartic acid with glutamic acid at codon 9 of the VHL protein. Computational prediction suggests that this variant may not impact protein structure and function. To our knowledge, functional studies have not been reported for this variant. This variant has not been reported in individuals affected with VHL-related disorders in the literature. This variant has been identified in 4/140648 chromosomes in the general population by the Genome Aggregation Database (gnomAD). The available evidence is insufficient to determine the role of this variant in disease conclusively. Therefore, this variant is classified as a Variant of Uncertain Significance.

All of Us Research Program, National Institutes of Health
Classification: Uncertain significance for Von Hippel-Lindau syndrome. Last evaluated: 2024-01-11. Review status: criteria provided, single submitter. Criteria: ACMG Guidelines, 2015. Collection method: clinical testing. Allele origin: germline. Inheritance: Autosomal dominant inheritance. Observed: 3 variant alleles, 3 heterozygotes.
Comment: This missense variant replaces aspartic acid with glutamic acid at codon 9 of the VHL protein. Computational prediction suggests that this variant may not impact protein structure and function (internally defined REVEL score threshold <= 0.5, PMID: 27666373). To our knowledge, functional studies have not been reported for this variant. This variant has not been reported in individuals affected with VHL-related disorders in the literature. This variant has been identified in 4/140648 chromosomes in the general population by the Genome Aggregation Database (gnomAD). The available evidence is insufficient to determine the role of this variant in disease conclusively. Therefore, this variant is classified as a Variant of Uncertain Significance.

This study involves interpretation of variants in research participants for the purpose of population health screening. Participant phenotype was not available at the time of variant classification. Additional details can be found in publication PMID: 35346344, PMCID: PMC8962531

GeneDx
Classification: Uncertain significance. Last evaluated: 2023-11-07. Review status: criteria provided, single submitter. Criteria: GeneDx Variant Classification Process June 2021. Collection method: clinical testing. Allele origin: germline. Affected: yes.
Comment: Not observed at significant frequency in large population cohorts (gnomAD); In silico analysis supports that this missense variant does not alter protein structure/function; Has not been previously published as pathogenic or benign to our knowledge

Ambry Genetics
Classification: Likely benign for Hereditary cancer-predisposing syndrome. Last evaluated: 2020-02-18. Review status: criteria provided, single submitter. Criteria: Ambry Variant Classification Scheme 2023. Collection method: clinical testing. Allele origin: germline.